The following is an entry in ClinVar:

NM_005422.4(TECTA):c.4977-1G>A

Genes: TBCEL-TECTA (TBCEL-TECTA readthrough; plus strand), TECTA (tectorin alpha; plus strand). Cytogenetic location: 11q23.3.
Variant type: single nucleotide variant.
Coding change: c.4977-1G>A on transcript NM_005422.4 (MANE Select); the canonical splice acceptor site of the intron before coding-DNA position 4977, G replaced by A.
Molecular consequence: splice acceptor variant. On other transcripts: intron variant (1).
Genome position (GRCh38, 1-based): chr11:121,162,074, G>A. VCF-style: chr11-121162074-G-A. GRCh37 (hg19) VCF-style: chr11-121032783-G-A.
Other names: c.5934-16G>A (NM_001378761.1).
Identifiers: ClinVar variation 5007807 (VCV005007807.2).

ClinVar aggregate classification (germline): Likely pathogenic (1 of 4 stars; one submission).

Conditions:
Autosomal recessive nonsyndromic hearing loss 21. Identifiers: Orphanet 90636, MedGen C1863655, MONDO:0011351, OMIM 603629.

Submission:

Juno Genomics, Hangzhou Juno Genomics, Inc
Classification: Likely pathogenic for Autosomal recessive nonsyndromic hearing loss 21. Review status: criteria provided, single submitter. Criteria: ACMG Guidelines, 2015. Collection method: clinical testing. Allele origin: germline.
Comment: Absent from controls (or at extremely low frequency if recessive) in Genome Aggregation Database.;Null variant in a gene where loss of function (LOF) is a known mechanism of disease.